The following is an entry in ClinVar:

NM_002499.4(NEO1):c.2092+6C>A

Gene: NEO1 (neogenin 1; plus strand). Cytogenetic location: 15q24.1.
Variant type: single nucleotide variant.
Coding change: c.2092+6C>A on transcript NM_002499.4 (MANE Select); 6 bases into the intron after coding-DNA position 2092, C replaced by A.
Molecular consequence: intron variant.
Genome position (GRCh38, 1-based): chr15:73,254,835, C>A. VCF-style: chr15-73254835-C-A. GRCh37 (hg19) VCF-style: chr15-73547176-C-A.
Other names: c.2092+6C>A (NM_001172624.2, NM_001172623.2); c.2152+6C>A (NM_001419531.1).
Identifiers: ClinVar variation 3035212 (VCV003035212.2), dbSNP rs1463014616, ClinGen allele CA715545932.

ClinVar aggregate classification (germline): Likely benign (0 of 4 stars; one submission).

Conditions:
NEO1-related disorder. Also called: NEO1-related condition.

Allele frequency attached by ClinVar (database versions not stated): gnomAD exomes below 0.00001; TOPMed below 0.00001; gnomAD 0.00001.
gnomAD v4.1: 4 of 1,609,570 alleles (0.00025%); highest among the groups gnomAD compares: Non-Finnish European, 0.00034%; no homozygotes.

Submission:

PreventionGenetics, part of Exact Sciences
Classification: Likely benign for NEO1-related condition. Last evaluated: 2019-08-07. Review status: no assertion criteria provided. Collection method: clinical testing. Allele origin: germline.
Comment: This variant is classified as likely benign based on ACMG/AMP sequence variant interpretation guidelines (Richards et al. 2015 PMID: 25741868, with internal and published modifications).